The following is an entry in ClinVar:

ClinVar aggregate classification (germline): Uncertain significance (1 of 4 stars; one submission).

Conditions:
Neurodevelopmental disorder with hypotonia, brain anomalies, distinctive facies, and absent language. Also called: RNU4-2-Related Neurodevelopmental Disorder; RNU4-2–Related Autosomal Dominant Neurodevelopmental Disorder; ReNU SYNDROME. Identifiers: Orphanet 686488, MedGen C5935628, MONDO:0971172, OMIM 620851.

Submission:

Institute for Human Genetics, University Hospital Essen
Classification: Uncertain significance for Neurodevelopmental disorder with hypotonia, brain anomalies, distinctive facies, and absent language. Last evaluated: 2005-03-05. Review status: criteria provided, single submitter. Criteria: ACMG Guidelines, 2015. Collection method: clinical testing. Allele origin: de novo. Affected: yes.
Comment: PM2_supp, PM1

NR_003137.3(RNU4-2):n.76del

Genes: RNU4-2 (RNA, U4 small nuclear 2; minus strand), SIRT4 (sirtuin 4; plus strand). Cytogenetic location: 12q24.23.
Variant type: Deletion.
Molecular consequence: non-coding transcript variant (on NR_003137.3).
Genome position: GRCh38 VCF-style: chr12-120291827-TG-T. GRCh37 (hg19) VCF-style: chr12-120729630-TG-T.
Identifiers: ClinVar variation 3766425 (VCV003766425.1).
Genomic context (GRCh38, chr12:120,291,827, plus strand): 5'-CGTAGAGACTGTCAAAAATTGCCAATGCCGACTATATTTCAAGTCGTCATGGCGGGGTAT[TG>T]GGAAAAGTTTTCAATTAGCAATAATCGCGCCTCGGATAAACCTCATTGGCTACGATACTG-3'